The following is an entry in ClinVar:

ClinVar aggregate classification (germline): Uncertain significance (1 of 4 stars; one submission).

Conditions:
Hereditary spastic paraplegia. Also called: Familial spastic paraparesis. Identifiers: Orphanet 685, MedGen C0037773, MONDO:0019064. Disease mechanism: loss of function.

Allele frequency attached by ClinVar (database versions not stated): ExAC 0.00001; gnomAD exomes 0.00001; TOPMed 0.00001; gnomAD 0.00003; ESP Exome Variant Server 0.00008.
gnomAD v4.1: 30 of 1,613,996 alleles (0.0019%); highest among the groups gnomAD compares: Non-Finnish European, 0.0025%; no homozygotes.

Submission:

Labcorp Genetics (formerly Invitae), Labcorp
Classification: Uncertain significance for Hereditary spastic paraplegia. Last evaluated: 2022-07-26. Review status: criteria provided, single submitter. Criteria: Invitae Variant Classification Sherloc (09022015). Collection method: clinical testing. Allele origin: germline.
Comment: In summary, the available evidence is currently insufficient to determine the role of this variant in disease. Therefore, it has been classified as a Variant of Uncertain Significance. Algorithms developed to predict the effect of missense changes on protein structure and function are either unavailable or do not agree on the potential impact of this missense change (SIFT: "Tolerated"; PolyPhen-2: "Probably Damaging"; Align-GVGD: "Class C0"). ClinVar contains an entry for this variant (Variation ID: 577918). This variant has not been reported in the literature in individuals affected with USP8-related conditions. This variant is present in population databases (rs371064052, gnomAD 0.004%). This sequence change replaces proline, which is neutral and non-polar, with alanine, which is neutral and non-polar, at codon 774 of the USP8 protein (p.Pro774Ala).

NM_005154.5(USP8):c.2320C>G (p.Pro774Ala)

Gene: USP8 (ubiquitin specific peptidase 8; plus strand). Cytogenetic location: 15q21.2.
Variant type: single nucleotide variant.
Coding change: c.2320C>G on transcript NM_005154.5 (MANE Select); coding-DNA position 2320, C replaced by G.
Protein change: p.Pro774Ala; replaces proline 774 with alanine.
Molecular consequence: missense variant.
Genome position (GRCh38, 1-based): chr15:50,492,786, C>G. VCF-style: chr15-50492786-C-G. GRCh37 (hg19) VCF-style: chr15-50784983-C-G.
Other names: c.2320C>G, p.Pro774Ala (NM_001128610.3); c.2002C>G, p.Pro668Ala (NM_001283049.2); short protein forms P774A, P668A.
Identifiers: ClinVar variation 577918 (VCV000577918.8), dbSNP rs371064052, ClinGen allele CA7555948.